The following is an entry in ClinVar:

NM_001278512.2(AP3B2):c.2327C>T (p.Ala776Val)

Genes: AP3B2 (adaptor related protein complex 3 subunit beta 2; minus strand), CPEB1-AS1 (CPEB1 antisense RNA 1; plus strand). Cytogenetic location: 15q25.2.
Variant type: single nucleotide variant.
Coding change: c.2327C>T on transcript NM_001278512.2 (MANE Select); coding-DNA position 2327, C replaced by T.
Protein change: p.Ala776Val; replaces alanine 776 with valine.
Molecular consequence: missense variant.
Genome position (GRCh38, 1-based): chr15:82,663,910, G>A on the plus strand (C>T on the coding strand, the complement: AP3B2 is on the minus strand). VCF-style: chr15-82663910-G-A. GRCh37 (hg19) VCF-style: chr15-83332662-G-A.
Other names: c.2174C>T, p.Ala725Val (NM_001278511.2); c.2270C>T, p.Ala757Val (NM_004644.5); short protein forms A776V, A757V, A725V.
Identifiers: ClinVar variation 1378506 (VCV001378506.5), dbSNP rs375481337, ClinGen allele CA7699948.

ClinVar aggregate classification (germline): Uncertain significance (1 of 4 stars; one submission).

Allele frequency attached by ClinVar (database versions not stated): gnomAD exomes 0.00007; ExAC 0.00009; gnomAD 0.00017; TOPMed 0.00020; ESP Exome Variant Server 0.00024; 1000 Genomes Project 30x 0.00031; 1000 Genomes Project 0.00040.
gnomAD v4.1: 65 of 1,612,682 alleles (0.004%); highest among the groups gnomAD compares: African/African-American, 0.045%; no homozygotes.

Submission:

Labcorp Genetics (formerly Invitae), Labcorp
Classification: Uncertain significance. Last evaluated: 2022-08-03. Review status: criteria provided, single submitter. Criteria: Invitae Variant Classification Sherloc (09022015). Collection method: clinical testing. Allele origin: germline.
Comment: This sequence change replaces alanine, which is neutral and non-polar, with valine, which is neutral and non-polar, at codon 757 of the AP3B2 protein (p.Ala757Val). This variant is present in population databases (rs375481337, gnomAD 0.05%). This variant has not been reported in the literature in individuals affected with AP3B2-related conditions. ClinVar contains an entry for this variant (Variation ID: 1378506). Algorithms developed to predict the effect of missense changes on protein structure and function output the following: SIFT: "Tolerated"; PolyPhen-2: "Possibly Damaging"; Align-GVGD: "Class C0". The valine amino acid residue is found in multiple mammalian species, which suggests that this missense change does not adversely affect protein function. In summary, the available evidence is currently insufficient to determine the role of this variant in disease. Therefore, it has been classified as a Variant of Uncertain Significance.